The following is an entry in ClinVar:

NM_000455.5(STK11):c.863-16G>T

Gene: STK11 (serine/threonine kinase 11; plus strand). Cytogenetic location: 19p13.3.
Variant type: single nucleotide variant.
Coding change: c.863-16G>T on transcript NM_000455.5 (MANE Select); 16 bases into the intron before coding-DNA position 863, G replaced by T.
Molecular consequence: intron variant.
Genome position (GRCh38, 1-based): chr19:1,221,933, G>T. VCF-style: chr19-1221933-G-T. GRCh37 (hg19) VCF-style: chr19-1221932-G-T.
Identifiers: ClinVar variation 1571609 (VCV001571609.9), dbSNP rs373096204, ClinGen allele CA2573155770.
Genomic context (GRCh38, chr19:1,221,933, plus strand): 5'-GCTGGGCAGGCGGGGACGGTTGGTGGGGTCTCAGGCCTGTGCCCAGCTGACAGGCTCCTC[G>T]CCGGCTTCTCCTCAGGGATGCTTGAGTACGAACCGGCCAAGAGGTTCTCCATCCGGCAGA-3'

ClinVar aggregate classification (germline): Likely benign. Review status: criteria provided, multiple submitters, no conflicts (2 of 4 stars). 2 submissions from 2 submitters: Likely benign (2). Last evaluated 2025-03-27.

Conditions:
Peutz-Jeghers syndrome (PJS). Also called: Peutz-Jeghers polyposis; Periorificial lentiginosis syndrome; POLYPOSIS, HAMARTOMATOUS INTESTINAL; POLYPS-AND-SPOTS SYNDROME. Identifiers: Orphanet 2869, MedGen C0031269, MeSH D010580, MONDO:0008280, OMIM 175200.

Submissions (2):

Myriad Genetics, Inc.
Classification: Likely benign for Peutz-Jeghers syndrome. Last evaluated: 2025-03-27. Review status: criteria provided, single submitter. Criteria: Myriad Autosomal Dominant, Autosomal Recessive and X-Linked Classification Criteria (2023). Collection method: clinical testing. Allele origin: unknown.
Comment: This variant is considered likely benign. This variant is intronic and is not expected to impact mRNA splicing.

Labcorp Genetics (formerly Invitae), Labcorp
Classification: Likely benign for Peutz-Jeghers syndrome. Last evaluated: 2025-01-08. Review status: criteria provided, single submitter. Criteria: Invitae Variant Classification Sherloc (09022015). Collection method: clinical testing. Allele origin: germline.